The following is an entry in ClinVar:

ClinVar aggregate classification (germline): Uncertain significance. Review status: criteria provided, multiple submitters, no conflicts (2 of 4 stars). 2 submissions from 2 submitters: Uncertain significance (2). Last evaluated 2025-05-28.

Conditions:
Inborn genetic diseases. Identifiers: MedGen C0950123, MeSH D030342.
Amyotrophic lateral sclerosis type 1 (ALS1). Also called: AMYOTROPHIC LATERAL SCLEROSIS 1, FAMILIAL. Identifiers: Orphanet 803, MedGen C1862939, MONDO:0007103, OMIM 105400.
Perry syndrome. Also called: PARKINSONISM WITH ALVEOLAR HYPOVENTILATION AND MENTAL DEPRESSION. Identifiers: Orphanet 178509, MedGen C1868594, MONDO:0008201, OMIM 168605.
Neuronopathy, distal hereditary motor, type 7B. Also called: Distal Hereditary Motor Neuronopathy Type 7B (dHMN7B); NEURONOPATHY, DISTAL HEREDITARY MOTOR, AUTOSOMAL DOMINANT 14; NEURONOPATHY, DISTAL HEREDITARY MOTOR, HARDING TYPE VIIB; NEUROPATHY, DISTAL HEREDITARY MOTOR, HARDING TYPE VIIB; NEUROPATHY, DISTAL HEREDITARY MOTOR, WITH VOCAL CORD PARALYSIS, HARDING TYPE VIIB; HMN VIIB. Identifiers: Orphanet 139589, MedGen C1843315, MONDO:0011879, OMIM 607641.

Allele frequency attached by ClinVar (database versions not stated): gnomAD exomes 0.00001 and 0.00004; gnomAD 0.00003; TOPMed 0.00004; ExAC 0.00006.
gnomAD v4.1: 25 of 1,589,064 alleles (0.0016%); highest among the groups gnomAD compares: South Asian, 0.012%; no homozygotes.

Submissions (2):

Labcorp Genetics (formerly Invitae), Labcorp
Classification: Uncertain significance for Amyotrophic lateral sclerosis type 1; Neuronopathy, distal hereditary motor, type 7B; Perry syndrome. Last evaluated: 2025-05-28. Review status: criteria provided, single submitter. Criteria: Invitae Variant Classification Sherloc (09022015). Collection method: clinical testing. Allele origin: germline.
Comment: This sequence change replaces arginine, which is basic and polar, with glutamine, which is neutral and polar, at codon 623 of the DCTN1 protein (p.Arg623Gln). This variant is present in population databases (rs763378572, gnomAD 0.01%). This variant has not been reported in the literature in individuals affected with DCTN1-related conditions. ClinVar contains an entry for this variant (Variation ID: 1024949). Invitae Evidence Modeling of protein sequence and biophysical properties (such as structural, functional, and spatial information, amino acid conservation, physicochemical variation, residue mobility, and thermodynamic stability) indicates that this missense variant is not expected to disrupt DCTN1 protein function with a negative predictive value of 95%. In summary, the available evidence is currently insufficient to determine the role of this variant in disease. Therefore, it has been classified as a Variant of Uncertain Significance.

Ambry Genetics
Classification: Uncertain significance for Inborn genetic diseases. Last evaluated: 2022-09-14. Review status: criteria provided, single submitter. Criteria: Ambry Variant Classification Scheme 2023. Collection method: clinical testing. Allele origin: germline.

NM_004082.5(DCTN1):c.1868G>A (p.Arg623Gln)

Gene: DCTN1 (dynactin subunit 1; minus strand). Cytogenetic location: 2p13.1.
Variant type: single nucleotide variant.
Coding change: c.1868G>A on transcript NM_004082.5 (MANE Select); coding-DNA position 1868, G replaced by A.
Protein change: p.Arg623Gln; replaces arginine 623 with glutamine.
Molecular consequence: missense variant. On other transcripts: non-coding transcript variant (1).
Genome position (GRCh38, 1-based): chr2:74,368,118, C>T on the plus strand (G>A on the coding strand, the complement: DCTN1 is on the minus strand). VCF-style: chr2-74368118-C-T. GRCh37 (hg19) VCF-style: chr2-74595245-C-T.
Other names: c.1868G>A (NM_004082.4); c.1808G>A, p.Arg603Gln (NM_001135040.3); c.1466G>A, p.Arg489Gln (NM_001135041.3, NM_023019.4); c.1757G>A, p.Arg586Gln (NM_001190836.2); c.1847G>A, p.Arg616Gln (NM_001190837.2); c.1817G>A, p.Arg606Gln (NM_001378991.1); c.1799G>A, p.Arg600Gln (NM_001378992.1); short protein forms R489Q, R586Q, R600Q, R603Q, R606Q, R616Q, R623Q.
Identifiers: ClinVar variation 1024949 (VCV001024949.10), dbSNP rs763378572, ClinGen allele CA1722007.